The following is an entry in ClinVar:

ClinVar aggregate classification (germline): Pathogenic (1 of 4 stars; one submission).

Conditions:
Duchenne muscular dystrophy (DMD). Also called: MUSCULAR DYSTROPHY, PSEUDOHYPERTROPHIC PROGRESSIVE, DUCHENNE TYPE; Duchenne Muscular Dystrophy (DMD). Identifiers: Orphanet 98896, MedGen C0013264, MONDO:0010679, OMIM 310200.

Submission:

Labcorp Genetics (formerly Invitae), Labcorp
Classification: Pathogenic for Duchenne muscular dystrophy. Last evaluated: 2017-02-16. Review status: criteria provided, single submitter. Criteria: Invitae Variant Classification Sherloc (09022015). Collection method: clinical testing. Allele origin: germline.
Comment: For these reasons, this variant has been classified as Pathogenic. While this particular variant has not been reported in the literature, loss-of-function variants in DMD are known to be pathogenic (PMID: 16770791). This sequence change inserts 1 nucleotide in exon 17 of the DMD mRNA (c.2076dupA), causing a frameshift at codon 693. This creates a premature translational stop signal (p.Gln693Thrfs*27) and is expected to result in an absent or disrupted protein product.

Literature cited by the submitters: PubMed 16770791.

NM_004006.3(DMD):c.2076dup (p.Gln693fs)

Gene: DMD (dystrophin; minus strand). Cytogenetic location: Xp21.1.
Variant type: Duplication.
Coding change: c.2076dup on transcript NM_004006.3 (MANE Select); coding-DNA position 2076, one base duplicated (A; older notation c.2076dupA).
Protein change: p.Gln693fs; shifts the reading frame from glutamine 693.
Molecular consequence: frameshift variant.
Genome position (GRCh38, 1-based): chrX:32,545,251, T duplicated on the plus strand (A on the coding strand, the reverse complement: DMD is on the minus strand); the first of 2 consecutive T bases (chrX:32,545,251-32,545,252); duplicating either gives the same sequence. VCF-style (leftmost placement, unchanged base first): chrX-32545250-G-GT. GRCh37 (hg19) VCF-style: chrX-32563367-G-GT.
Other names: c.2052dup, p.Gln685fs (NM_000109.4); c.2064dup, p.Gln689fs (NM_004009.3); c.1707dup, p.Gln570fs (NM_004010.3); c.2076dupA (NM_004006.2); short protein forms Q685fs, Q689fs, Q570fs, Q693fs.
Identifiers: ClinVar variation 409906 (VCV000409906.7), dbSNP rs1060502635, ClinGen allele CA16616524.
Genomic context (GRCh38, chrX:32,545,250, plus strand): 5'-GCCTCTTCTTTTGGGGAGGTGGTGGTGGAAGTTCCTCTTGAGCATGCTTTACCAGGATCT[G>GT]TTCCCTTGTGGTCACCGTAGTTACTGTTTCCATTACAGTTGTCTGTGTTAGTGATGGCTG-3'